The following is an entry in ClinVar:

NM_031942.5(CDCA7):c.922T>A (p.Ser308Thr)

Gene: CDCA7 (cell division cycle associated 7; plus strand). Cytogenetic location: 2q31.1.
Variant type: single nucleotide variant.
Coding change: c.922T>A on transcript NM_031942.5 (MANE Select); coding-DNA position 922, T replaced by A.
Protein change: p.Ser308Thr; replaces serine 308 with threonine.
Molecular consequence: missense variant.
Genome position (GRCh38, 1-based): chr2:173,365,479, T>A. VCF-style: chr2-173365479-T-A. GRCh37 (hg19) VCF-style: chr2-174230207-T-A.
Other names: c.685T>A, p.Ser229Thr (NM_145810.3); short protein forms S229T, S308T.
Identifiers: ClinVar variation 3665069 (VCV003665069.2).

ClinVar aggregate classification (germline): Uncertain significance (1 of 4 stars; one submission).

Submission:

Labcorp Genetics (formerly Invitae), Labcorp
Classification: Uncertain significance. Last evaluated: 2024-09-26. Review status: criteria provided, single submitter. Criteria: Invitae Variant Classification Sherloc (09022015). Collection method: clinical testing. Allele origin: germline.
Comment: This sequence change replaces serine, which is neutral and polar, with threonine, which is neutral and polar, at codon 308 of the CDCA7 protein (p.Ser308Thr). This variant is not present in population databases (gnomAD no frequency). This variant has not been reported in the literature in individuals affected with CDCA7-related conditions. Invitae Evidence Modeling of protein sequence and biophysical properties (such as structural, functional, and spatial information, amino acid conservation, physicochemical variation, residue mobility, and thermodynamic stability) indicates that this missense variant is not expected to disrupt CDCA7 protein function with a negative predictive value of 80%. In summary, the available evidence is currently insufficient to determine the role of this variant in disease. Therefore, it has been classified as a Variant of Uncertain Significance.